The following is an entry in ClinVar:

NM_021098.3(CACNA1H):c.4835C>T (p.Ser1612Leu)

Gene: CACNA1H (calcium voltage-gated channel subunit alpha1 H; plus strand). Cytogenetic location: 16p13.3.
Variant type: single nucleotide variant.
Coding change: c.4835C>T on transcript NM_021098.3 (MANE Select); coding-DNA position 4835, C replaced by T.
Protein change: p.Ser1612Leu; replaces serine 1612 with leucine.
Molecular consequence: missense variant.
Genome position (GRCh38, 1-based): chr16:1,213,837, C>T. VCF-style: chr16-1213837-C-T. GRCh37 (hg19) VCF-style: chr16-1263837-C-T.
Other names: c.4817C>T, p.Ser1606Leu (NM_001005407.2); short protein forms S1612L, S1606L.
Identifiers: ClinVar variation 529553 (VCV000529553.15), dbSNP rs370292995, ClinGen allele CA7801637.

ClinVar aggregate classification (germline): Conflicting classifications of pathogenicity. Review status: criteria provided, conflicting classifications (1 of 4 stars). 3 submissions from 3 submitters: Uncertain significance (1); Benign (1). 1 of the submissions does not count toward it. Last evaluated 2026-01-21.

Conditions:
Hyperaldosteronism, familial, type IV (HALD4). Also called: FH IV; ALDOSTERONISM, PRIMARY, AND HYPERTENSION. Identifiers: Orphanet 642671, MedGen C4310756, MONDO:0014875, OMIM 617027.
Idiopathic generalized epilepsy. Also called: Generalised epilepsy; EIG. Identifiers: MedGen C0270850, MONDO:0005579, OMIM 600669.
CACNA1H-related disorder.

Allele frequency attached by ClinVar (database versions not stated): ESP Exome Variant Server 0.00008; 1000 Genomes Project 30x 0.00016; gnomAD 0.00003; 1000 Genomes Project 0.00020; TOPMed 0.00001.
gnomAD v4.1: 68 of 1,598,438 alleles (0.0043%); highest among the groups gnomAD compares: African/African-American, 0.0067%; no homozygotes.

Submissions (3):

Labcorp Genetics (formerly Invitae), Labcorp
Classification: Benign for Idiopathic generalized epilepsy; Hyperaldosteronism, familial, type IV. Last evaluated: 2026-01-21. Review status: criteria provided, single submitter. Criteria: Invitae Variant Classification Sherloc (09022015). Collection method: clinical testing. Allele origin: germline.

Revvity Omics, Revvity
Classification: Uncertain significance for Hyperaldosteronism, familial, type IV. Last evaluated: 2022-03-05. Review status: criteria provided, single submitter. Criteria: ACMG Guidelines, 2015. Collection method: clinical testing. Allele origin: germline.

PreventionGenetics, part of Exact Sciences
Classification: Uncertain significance for CACNA1H-related condition. Last evaluated: 2024-08-13. Review status: no assertion criteria provided. Collection method: clinical testing. Allele origin: germline. Not counted in ClinVar's aggregate classification.
Comment: The CACNA1H c.4835C>T variant is predicted to result in the amino acid substitution p.Ser1612Leu. To our knowledge, this variant has not been reported in the literature. This variant is reported in 0.014% of alleles in individuals of African descent in gnomAD. At this time, the clinical significance of this variant is uncertain due to the absence of conclusive functional and genetic evidence.